The following is an entry in ClinVar:

NM_017763.6(RNF43):c.1810G>A (p.Ala604Thr)

Gene: RNF43 (ring finger protein 43; minus strand). Cytogenetic location: 17q22.
Variant type: single nucleotide variant.
Coding change: c.1810G>A on transcript NM_017763.6 (MANE Select); coding-DNA position 1810, G replaced by A.
Protein change: p.Ala604Thr; replaces alanine 604 with threonine.
Molecular consequence: missense variant.
Genome position (GRCh38, 1-based): chr17:58,357,966, C>T on the plus strand (G>A on the coding strand, the complement: RNF43 is on the minus strand). VCF-style: chr17-58357966-C-T. GRCh37 (hg19) VCF-style: chr17-56435327-C-T.
Other names: c.1810G>A, p.Ala604Thr (NM_001305544.3, NM_001438820.1, NM_001438821.1 and 1 more transcripts); c.1429G>A, p.Ala477Thr (NM_001305545.2, NM_001437987.1); short protein forms A477T, A604T.
Identifiers: ClinVar variation 4578954 (VCV004578954.1).
Genomic context (GRCh38, chr17:58,357,966, plus strand): 5'-GGGCTGGCTCAGGGAGGGCCCTGGGGCACTGTGGGTTAGAGAGCCGCCCCGAAGGGGCTG[C>T]TGAGTTGGATCTGGTGACTTGCTGATCAGGAGAAGGTGGCTCTGGCTGGGGCTGTGTCCG-3'
Protein context (NP_060233.3, residues 594-614): PDQQVTRSNS[Ala604Thr]APSGRLSNPQ

ClinVar aggregate classification (germline): Uncertain significance (1 of 4 stars; one submission).

gnomAD v4.1: 2 of 1,610,660 alleles (0.00012%); highest among the groups gnomAD compares: Non-Finnish European, 0.00017%; no homozygotes.

Submission:

Ambry Genetics
Classification: Uncertain significance. Last evaluated: 2025-09-29. Review status: criteria provided, single submitter. Criteria: Ambry Variant Classification Scheme 2023. Collection method: clinical testing. Allele origin: germline.
Comment: The p.A604T variant (also known as c.1810G>A), located in coding exon 8 of the RNF43 gene, results from a G to A substitution at nucleotide position 1810. The alanine at codon 604 is replaced by threonine, an amino acid with similar properties. This amino acid position is conserved. In addition, this alteration is predicted to be tolerated by in silico analysis. Based on the available evidence, the clinical significance of this variant remains unclear.